The following is an entry in ClinVar:

NM_005876.5(SPEG):c.6099C>A (p.His2033Gln)

Genes: ASIC4-AS1 (ASIC4 antisense RNA 1; minus strand), SPEG (striated muscle enriched protein kinase; plus strand). Cytogenetic location: 2q35.
Variant type: single nucleotide variant.
Coding change: c.6099C>A on transcript NM_005876.5 (MANE Select); coding-DNA position 6099, C replaced by A.
Protein change: p.His2033Gln; replaces histidine 2033 with glutamine.
Molecular consequence: missense variant.
Genome position (GRCh38, 1-based): chr2:219,483,562, C>A. VCF-style: chr2-219483562-C-A. GRCh37 (hg19) VCF-style: chr2-220348284-C-A.
Other names: short protein forms H2033Q.
Identifiers: ClinVar variation 2067927 (VCV002067927.4), dbSNP rs2545928432, ClinGen allele CA350696541.

ClinVar aggregate classification (germline): Uncertain significance (1 of 4 stars; one submission).

Submission:

Labcorp Genetics (formerly Invitae), Labcorp
Classification: Uncertain significance. Last evaluated: 2022-01-17. Review status: criteria provided, single submitter. Criteria: Invitae Variant Classification Sherloc (09022015). Collection method: clinical testing. Allele origin: germline.
Comment: In summary, the available evidence is currently insufficient to determine the role of this variant in disease. Therefore, it has been classified as a Variant of Uncertain Significance. Algorithms developed to predict the effect of missense changes on protein structure and function output the following: SIFT: "Tolerated"; PolyPhen-2: "Benign"; Align-GVGD: "Class C0". The glutamine amino acid residue is found in multiple mammalian species, which suggests that this missense change does not adversely affect protein function. This variant has not been reported in the literature in individuals affected with SPEG-related conditions. This variant is not present in population databases (gnomAD no frequency). This sequence change replaces histidine, which is basic and polar, with glutamine, which is neutral and polar, at codon 2033 of the SPEG protein (p.His2033Gln).